The following is an entry in ClinVar:

NM_001853.4(COL9A3):c.1613C>T (p.Ala538Val)

Gene: COL9A3 (collagen type IX alpha 3 chain; plus strand). Cytogenetic location: 20q13.33.
Variant type: single nucleotide variant.
Coding change: c.1613C>T on transcript NM_001853.4 (MANE Select); coding-DNA position 1613, C replaced by T.
Protein change: p.Ala538Val; replaces alanine 538 with valine.
Molecular consequence: missense variant.
Genome position (GRCh38, 1-based): chr20:62,837,092, C>T. VCF-style: chr20-62837092-C-T. GRCh37 (hg19) VCF-style: chr20-61468444-C-T.
Other names: short protein forms A538V.
Identifiers: ClinVar variation 4765324 (VCV004765324.1).

ClinVar aggregate classification (germline): Uncertain significance (1 of 4 stars; one submission).

gnomAD v4.1: 2 of 1,613,288 alleles (0.00012%); highest among the groups gnomAD compares: Non-Finnish European, 0.000085%; no homozygotes.

Submission:

Labcorp Genetics (formerly Invitae), Labcorp
Classification: Uncertain significance. Last evaluated: 2026-01-25. Review status: criteria provided, single submitter. Criteria: Invitae Variant Classification Sherloc (09022015). Collection method: clinical testing. Allele origin: germline.
Comment: This sequence change replaces alanine, which is neutral and non-polar, with valine, which is neutral and non-polar, at codon 538 of the COL9A3 protein (p.Ala538Val). This variant is not present in population databases (gnomAD no frequency). This variant has not been reported in the literature in individuals affected with COL9A3-related conditions. Invitae Evidence Modeling of protein sequence and biophysical properties (such as structural, functional, and spatial information, amino acid conservation, physicochemical variation, residue mobility, and thermodynamic stability) indicates that this missense variant is not expected to disrupt COL9A3 protein function with a negative predictive value of 95%. In summary, the available evidence is currently insufficient to determine the role of this variant in disease. Therefore, it has been classified as a Variant of Uncertain Significance.